The following is an entry in ClinVar:

ClinVar aggregate classification (germline): Uncertain significance (1 of 4 stars; one submission).

Conditions:
Dyskeratosis congenita, autosomal dominant 1 (DKCA1). Also called: Dyskeratosis congenita Scoggins type. Identifiers: Orphanet 1775, MedGen C4551974, MONDO:0007485, OMIM 127550. Inheritance: Variable.

Allele frequency attached by ClinVar (database versions not stated): gnomAD exomes below 0.00001 and 0.00001; gnomAD 0.00004; TOPMed 0.00005; 1000 Genomes Project 30x 0.00016.
gnomAD v4.1: 12 of 760,548 alleles (0.0016%); highest among the groups gnomAD compares: Admixed American, 0.0068%; no homozygotes.

Submission:

Labcorp Genetics (formerly Invitae), Labcorp
Classification: Uncertain significance for Dyskeratosis congenita, autosomal dominant 1. Last evaluated: 2025-10-21. Review status: criteria provided, single submitter. Criteria: Invitae Variant Classification Sherloc (09022015). Collection method: clinical testing. Allele origin: germline.
Comment: This variant occurs in the TERC gene, which encodes an RNA molecule that does not result in a protein product. This variant is present in population databases (no rsID available, gnomAD 0.002%). This variant has not been reported in the literature in individuals affected with TERC-related conditions. ClinVar contains an entry for this variant (Variation ID: 580259). This variant is located within the BoxH/ACA scaRNA domain of the TERC RNA component, which is required for telomerase activity (PMID: 21844345). In summary, the available evidence is currently insufficient to determine the role of this variant in disease. Therefore, it has been classified as a Variant of Uncertain Significance.

Literature cited by the submitters: PubMed 21844345.

NC_000003.12:g.169764710G>C

Genes: TERC (telomerase RNA component; minus strand), LOC110806306 (telomerase RNA component (TERC) promoter; plus strand). Cytogenetic location: 3q26.2.
Variant type: single nucleotide variant.
Genome position: GRCh38 VCF-style: chr3-169764710-G-C. GRCh37 (hg19) VCF-style: chr3-169482498-G-C.
Identifiers: ClinVar variation 580259 (VCV000580259.10), dbSNP rs925088948, ClinGen allele CA87623866.